The following is an entry in ClinVar:

NM_003482.4(KMT2D):c.10836G>A (p.Gln3612=)

Gene: KMT2D (lysine methyltransferase 2D; minus strand). Cytogenetic location: 12q13.12.
Variant type: single nucleotide variant.
Coding change: c.10836G>A on transcript NM_003482.4 (MANE Select); coding-DNA position 10836, G replaced by A.
Protein change: p.Gln3612=; no amino-acid change (glutamine 3612 retained).
Molecular consequence: synonymous variant.
Genome position (GRCh38, 1-based): chr12:49,033,869, C>T on the plus strand (G>A on the coding strand, the complement: KMT2D is on the minus strand). VCF-style: chr12-49033869-C-T. GRCh37 (hg19) VCF-style: chr12-49427652-C-T.
Other names: p.Gln3612=.
Identifiers: ClinVar variation 94142 (VCV000094142.36), dbSNP rs3782357, ClinGen allele CA147659.

ClinVar aggregate classification (germline): Benign. Review status: criteria provided, multiple submitters, no conflicts (2 of 4 stars). 12 submissions from 12 submitters: Benign (12). Last evaluated 2026-02-04.

Conditions:
Kabuki syndrome. Also called: NIIKAWA-KUROKI SYNDROME; Kabuki make-up syndrome. Identifiers: Orphanet 2322, MedGen C0796004, MONDO:0016512.
Kabuki syndrome 1 (KABUK1). Also called: KMT2D-Related Kabuki Syndrome. Identifiers: Orphanet 2322, MedGen CN030661, MONDO:0007843, OMIM 147920.

Allele frequency attached by ClinVar (database versions not stated): ExAC 0.46163; gnomAD exomes 0.38778 and 0.38959; TOPMed 0.41620; ESP Exome Variant Server 0.42173; gnomAD 0.42494 and 0.42594; 1000 Genomes Project 30x 0.44285; 1000 Genomes Project 0.44349.
gnomAD v4.1: 611,141 of 1,554,972 alleles (39%); highest among the groups gnomAD compares: African/African-American, 54%; 122,526 homozygotes.

Submissions (12):

Labcorp Genetics (formerly Invitae), Labcorp
Classification: Benign for Kabuki syndrome. Last evaluated: 2026-02-04. Review status: criteria provided, single submitter. Criteria: Invitae Variant Classification Sherloc (09022015). Collection method: clinical testing. Allele origin: germline.

Blueprint Genetics
Classification: Benign. Last evaluated: 2024-11-27. Review status: criteria provided, single submitter. Criteria: ACMG Guidelines, 2015. Collection method: clinical testing. Allele origin: germline.

Unidad de Genómica Garrahan, Hospital de Pediatría Garrahan
Classification: Benign. Last evaluated: 2024-01-24. Review status: criteria provided, single submitter. Criteria: ACMG Guidelines, 2015. Collection method: clinical testing. Allele origin: germline. Affected: no. Observed: 55 variant alleles.
Comment: This variant is classified as Benign based on local population frequency. This variant was detected in 58% of patients studied by a panel of primary immunodeficiencies. Number of patients: 55. Only high quality variants are reported.

Mayo Clinic Laboratories, Mayo Clinic
Classification: Benign. Last evaluated: 2022-09-06. Review status: criteria provided, single submitter. Criteria: ACMG Guidelines, 2015. Collection method: clinical testing. Allele origin: germline. Observed: 28 variant alleles.

ARUP Laboratories, Molecular Genetics and Genomics, ARUP Laboratories
Classification: Benign for Kabuki syndrome 1. Last evaluated: 2018-08-23. Review status: criteria provided, single submitter. Criteria: ARUP Molecular Germline Variant Investigation Process. Collection method: clinical testing. Allele origin: germline.

Athena Diagnostics
Classification: Benign. Last evaluated: 2018-05-07. Review status: criteria provided, single submitter. Criteria: Athena Diagnostics Criteria. Collection method: clinical testing. Allele origin: germline.

Eurofins Ntd Llc (ga)
Classification: Benign. Last evaluated: 2016-04-06. Review status: criteria provided, single submitter. Criteria: EGL Classification Definitions 2015. Collection method: clinical testing. Allele origin: germline. Observed: 252 variant alleles, 197 heterozygotes, 55 homozygotes.

Laboratory for Molecular Medicine, Mass General Brigham Personalized Medicine
Classification: Benign. Last evaluated: 2016-03-28. Review status: criteria provided, single submitter. Criteria: LMM Criteria. Collection method: clinical testing. Allele origin: germline.
Comment: Variant identified in a genome or exome case(s) and assessed due to predicted null impact of the variant or pathogenic assertions in the literature or databases. Disclaimer: This variant has not undergone full assessment. The following are preliminary notes: Frequency

GeneDx
Classification: Benign. Last evaluated: 2015-03-03. Review status: criteria provided, single submitter. Criteria: GeneDx Variant Classification Process June 2021. Collection method: clinical testing. Allele origin: germline. Affected: yes.

Genetic Services Laboratory, University of Chicago
Classification: Benign. Last evaluated: 2013-02-08. Review status: criteria provided, single submitter. Criteria: ACMG Guidelines, 2007. Collection method: clinical testing. Allele origin: germline. Inheritance: Autosomal dominant inheritance.

Breakthrough Genomics
Classification: Benign. Review status: criteria provided, single submitter. Criteria: ACMG Guidelines, 2015. Collection method: not provided. Allele origin: germline. Inheritance: Autosomal dominant inheritance. Affected: yes.

PreventionGenetics, part of Exact Sciences
Classification: Benign. Review status: criteria provided, single submitter. Criteria: ACMG Guidelines, 2015. Collection method: clinical testing. Allele origin: germline.